The following is an entry in ClinVar:

NM_017617.5(NOTCH1):c.859T>C (p.Trp287Arg)

Gene: NOTCH1 (notch receptor 1; minus strand). Cytogenetic location: 9q34.3.
Variant type: single nucleotide variant.
Coding change: c.859T>C on transcript NM_017617.5 (MANE Select); coding-DNA position 859, T replaced by C.
Protein change: p.Trp287Arg; replaces tryptophan 287 with arginine.
Molecular consequence: missense variant.
Genome position (GRCh38, 1-based): chr9:136,519,449, A>G on the plus strand (T>C on the coding strand, the complement: NOTCH1 is on the minus strand). VCF-style: chr9-136519449-A-G. GRCh37 (hg19) VCF-style: chr9-139413901-A-G.
Other names: short protein forms W287R.
Identifiers: ClinVar variation 4982677 (VCV004982677.1).

ClinVar aggregate classification (germline): Uncertain significance (1 of 4 stars; one submission).

Conditions:
NOTCH1-related disorder. Also called: NOTCH1-related disorders; NOTCH1-related condition.

gnomAD v4.1: 1 of 1,612,758 alleles (0.000062%); highest among the groups gnomAD compares: Non-Finnish European, 0.000085%; no homozygotes.

Submission:

PreventionGenetics, part of Exact Sciences
Classification: Uncertain significance for NOTCH1-related condition. Last evaluated: 2026-06-23. Review status: criteria provided, single submitter. Criteria: ACMG Guidelines, 2015. Collection method: clinical testing. Allele origin: germline.
Comment: The NOTCH1 c.859T>C variant is predicted to result in the amino acid substitution p.Trp287Arg. To our knowledge, this variant has not been reported in the literature or in a large population database (gnomAD), indicating this variant is rare. At this time, the clinical significance of this variant is uncertain due to the absence of conclusive functional and genetic evidence.